The following is an entry in ClinVar:

ClinVar aggregate classification (germline): Pathogenic/Likely pathogenic. Review status: criteria provided, multiple submitters, no conflicts (2 of 4 stars). 6 submissions from 6 submitters: Pathogenic (5); Likely pathogenic (1). Last evaluated 2026-02-26.

Conditions:
IFT140-related disorders.
Cystic renal disease.
IFT140-related disorder. Also called: IFT140-related condition.
Renal cyst. Also called: cystic kidneys; Renal cysts; Cystic kidney disease. Identifiers: MedGen C3887499, MONDO:0002473, HP:0000107.
Retinitis pigmentosa 80 (RP80). Identifiers: MedGen C4540439, MONDO:0054708, OMIM 617781.
Saldino-Mainzer syndrome (SRTD9). Also called: Renal dysplasia, retinal pigmentary dystrophy, cerebellar ataxia and skeletal dysplasia; short-rib thoracic dysplasia 9 with or without polydactyly; SHORT-RIB THORACIC DYSPLASIA 9 WITHOUT POLYDACTYLY; CONORENAL SYNDROME. Identifiers: Orphanet 140969, MedGen C1849437, MONDO:0009964, OMIM 266920.

Allele frequency attached by ClinVar (database versions not stated): TOPMed 0.00001; gnomAD 0.00002.
gnomAD v4.1: 22 of 1,612,816 alleles (0.0014%); highest among the groups gnomAD compares: African/African-American, 0.0027%; no homozygotes.

Submissions (6):

Genetics Laboratory, Great Ormond Street Hospital NHS Foundation Trust, North Thames Genomic Laboratory Hub
Classification: Pathogenic for Cystic renal disease. Last evaluated: 2026-02-26. Review status: criteria provided, single submitter. Criteria: ACGS Best Practice Guidelines for Variant Classification in Rare Disease 2024 v1.2. Collection method: clinical testing. Allele origin: germline. Affected: yes.
Comment: PS4_moderate, PVS1_very-strong, PP4_supporting

PreventionGenetics, part of Exact Sciences
Classification: Pathogenic for IFT140-related condition. Last evaluated: 2025-11-21. Review status: criteria provided, single submitter. Criteria: ACMG Guidelines, 2015. Collection method: clinical testing. Allele origin: germline.
Comment: The IFT140 c.1147C>T variant is predicted to result in premature protein termination (p.Gln383*). This variant was reported in individuals with autosomal dominant polycystic kidney disease (ADPKD) (Senum et al. 2022. PubMed ID: 34890546; Clark et al. 2024. PubMed ID: 39136524). This variant is reported in 0.011% of alleles in individuals of African descent in gnomAD. Nonsense variants in IFT140 are expected to be pathogenic. Since loss-of-function is the disease causing mechanism for both autosomal dominant and recessive IFT140-related disorders, this variant is interpreted as pathogenic for both autosomal dominant and recessive IFT140-related disorders.

Labcorp Genetics (formerly Invitae), Labcorp
Classification: Pathogenic for Saldino-Mainzer syndrome. Last evaluated: 2025-04-17. Review status: criteria provided, single submitter. Criteria: Invitae Variant Classification Sherloc (09022015). Collection method: clinical testing. Allele origin: germline.
Comment: This sequence change creates a premature translational stop signal (p.Gln383*) in the IFT140 gene. It is expected to result in an absent or disrupted protein product. Loss-of-function variants in IFT140 are known to be pathogenic (PMID: 22503633, 23418020, 24009529, 26216056). This variant is present in population databases (no rsID available, gnomAD 0.01%). This variant has not been reported in the literature in individuals affected with IFT140-related conditions. ClinVar contains an entry for this variant (Variation ID: 1372134). For these reasons, this variant has been classified as Pathogenic.

Blueprint Genetics
Classification: Pathogenic for IFT140-related disorders. Last evaluated: 2024-11-04. Review status: criteria provided, single submitter. Criteria: ACMG Guidelines, 2015. Collection method: clinical testing. Allele origin: germline. Affected: yes. Observed: 3 variant alleles.

Victorian Clinical Genetics Services, Murdoch Childrens Research Institute
Classification: Pathogenic for Renal cyst. Last evaluated: 2024-10-10. Review status: criteria provided, single submitter. Criteria: ACMG Guidelines, 2015. Collection method: clinical testing. Allele origin: germline. Inheritance: Autosomal dominant inheritance. Affected: yes.
Comment: Based on the classification scheme VCGS_Germline_v1.3.4, this variant is classified as Pathogenic. Following criteria are met: 0102 - Loss of function is a known mechanism of disease in this gene and is associated with retinitis pigmentosa 80 (MIM#617781), short-rib thoracic dysplasia 9 with or without polydactyly (MIM#266920) and cystic kidney disease (MONDO:0002473), IFT140-related (PMID: 34890546). (I) 0108 - This gene is associated with both recessive and dominant disease. Retinitis pigmentosa 80 (MIM#617781) and short-rib thoracic dysplasia 9 with or without polydactyly (MIM#266920) are inherited in an autosomal recessive manner, while cystic kidney disease (MONDO:0002473), IFT140-related is inherited in an autosomal dominant manner (OMIM, PMID: 34890546). (I) 0112 - The dominant condition associated with this gene may have incomplete penetrance. Parents of children with short-rib thoracic dysplasia 9 with or without polydactyly, who carry a single pathogenic variant that has also previously been associated with the dominant cystic kidney disease phenotype, have been reported as unaffected (PMID: 34890546). However, these parents weren't specifically assessed for cystic kidney disease. (I) 0201 - Variant is predicted to cause nonsense-mediated decay (NMD) and loss of protein (premature termination codon is located at least 54 nucleotides upstream of the final exon-exon junction). (SP) 0251 - This variant is heterozygous. (I) 0304 - Variant is present in gnomAD <0.01 (v3: 3 heterozygotes, 0 homozygotes). (SP) 0701 - Other NMD-predicted variants comparable to the one identified in this case have very strong previous evidence for pathogenicity (DECIPHER). These variants have been reported in families with later onset autosomal dominant polycystic kidney disease (PMID: 34890546) and autosomal recessive IFT140-related conditions (PMIDs: 22503633, 26968735). (SP) 0802 - This variant has moderate previous evidence of pathogenicity in unrelated individuals. This variant has been classified as pathogenic by clinical laboratories in ClinVar, and has also been reported in an individual with multiple cysts from a cystic kidney disease cohort (PMID: 34890546). (SP) 0905 - No published segregation evidence has been identified for this variant. (I) 1007 - No published functional evidence has been identified for this variant. (I) 1208 - Inheritance information for this variant is not currently available in this individual. (I) Legend: (SP) - Supporting pathogenic, (I) - Information, (SB) - Supporting benign

Fulgent Genetics
Classification: Likely pathogenic for Saldino-Mainzer syndrome; Retinitis pigmentosa 80. Last evaluated: 2024-05-28. Review status: criteria provided, single submitter. Criteria: ACMG Guidelines, 2015. Collection method: clinical testing. Allele origin: germline.

Literature cited by the submitters: PubMed 22503633 (cited by Labcorp Genetics (formerly Invitae), Labcorp and Victorian Clinical Genetics Services, Murdoch Childrens Research Institute); PubMed 23418020 (cited by Labcorp Genetics (formerly Invitae), Labcorp); PubMed 24009529 (cited by Labcorp Genetics (formerly Invitae), Labcorp); PubMed 26216056 (cited by Labcorp Genetics (formerly Invitae), Labcorp); PubMed 26968735 (cited by Victorian Clinical Genetics Services, Murdoch Childrens Research Institute); PubMed 34890546 (cited by Victorian Clinical Genetics Services, Murdoch Childrens Research Institute).

NM_014714.4(IFT140):c.1147C>T (p.Gln383Ter)

Genes: IFT140 (intraflagellar transport 140; minus strand), LOC105371046 (uncharacterized LOC105371046; plus strand). Cytogenetic location: 16p13.3.
Variant type: single nucleotide variant.
Coding change: c.1147C>T on transcript NM_014714.4 (MANE Select); coding-DNA position 1147, C replaced by T.
Protein change: p.Gln383Ter; replaces glutamine 383 with a stop codon.
Molecular consequence: nonsense.
Genome position (GRCh38, 1-based): chr16:1,586,138, G>A on the plus strand (C>T on the coding strand, the complement: IFT140 is on the minus strand). VCF-style: chr16-1586138-G-A. GRCh37 (hg19) VCF-style: chr16-1636139-G-A.
Other names: c.1147C>T (NM_014714.3); short protein forms Q383*.
Identifiers: ClinVar variation 1372134 (VCV001372134.12), dbSNP rs1206753537, ClinGen allele CA394215687.
Genomic context (GRCh38, chr16:1,586,138, plus strand): 5'-CCACTTTCATGCAGCAGAAAATGAGTGCACCGAACACCCTTGGAGGCTGTACCTGGATTT[G>A]CGTGATGTTTCCTTGGAGCTCGGTAGGGGTCTGAAGGGCCCACCTGTCCTTGCCCTCTGC-3'